The following is an entry in ClinVar:

NM_001134831.2(AHI1):c.663A>G (p.Ser221=)

Gene: AHI1 (Abelson helper integration site 1; minus strand). Cytogenetic location: 6q23.3.
Variant type: single nucleotide variant.
Coding change: c.663A>G on transcript NM_001134831.2 (MANE Select); coding-DNA position 663, A replaced by G.
Protein change: p.Ser221=; no amino-acid change (serine 221 retained).
Molecular consequence: synonymous variant.
Genome position (GRCh38, 1-based): chr6:135,465,900, T>C on the plus strand (A>G on the coding strand, the complement: AHI1 is on the minus strand). VCF-style: chr6-135465900-T-C. GRCh37 (hg19) VCF-style: chr6-135787038-T-C.
Other names: c.663A>G (NM_017651.4); c.663A>G, p.Ser221= (NM_001134830.2, NM_001134832.2, NM_001350503.2 and 2 more transcripts).
Identifiers: ClinVar variation 2917847 (VCV002917847.4), dbSNP rs1376070546, ClinGen allele CA452216870.

ClinVar aggregate classification (germline): Likely benign. Review status: criteria provided, multiple submitters, no conflicts (2 of 4 stars). 2 submissions from 2 submitters: Likely benign (2). Last evaluated 2025-09-26.

Conditions:
AHI1-related disorder. Also called: AHI1-related condition.
Joubert syndrome. Also called: Familial aplasia of the vermis; JOUBERT-BOLTSHAUSER SYNDROME. Identifiers: Orphanet 475, MedGen C5979921, MONDO:0018772.

Allele frequency attached by ClinVar (database versions not stated): gnomAD exomes below 0.00001; TOPMed 0.00001.
gnomAD v4.1: 4 of 1,587,042 alleles (0.00025%); highest among the groups gnomAD compares: Non-Finnish European, 0.00034%; no homozygotes.

Submissions (2):

PreventionGenetics, part of Exact Sciences
Classification: Likely benign for AHI1-related condition. Last evaluated: 2025-09-26. Review status: criteria provided, single submitter. Criteria: ACMG Guidelines, 2015. Collection method: clinical testing. Allele origin: germline.
Comment: This variant is classified as likely benign based on ACMG/AMP sequence variant interpretation guidelines (Richards et al. 2015 PMID: 25741868, with internal and published modifications).

Labcorp Genetics (formerly Invitae), Labcorp
Classification: Likely benign for Joubert syndrome. Last evaluated: 2025-07-09. Review status: criteria provided, single submitter. Criteria: Invitae Variant Classification Sherloc (09022015). Collection method: clinical testing. Allele origin: germline.